The following is an entry in ClinVar:

ClinVar aggregate classification (germline): Uncertain significance (1 of 4 stars; one submission).

Submission:

Labcorp Genetics (formerly Invitae), Labcorp
Classification: Uncertain significance. Last evaluated: 2025-09-08. Review status: criteria provided, single submitter. Criteria: Invitae Variant Classification Sherloc (09022015). Collection method: clinical testing. Allele origin: germline.
Comment: This variant, c.1326_1327delinsGA, is a complex sequence change that results in the deletion of 2 and insertion of 2 amino acid(s) in the COLGALT1 protein (p.Ile442_Phe443delinsMetIle). Information on the frequency of this variant in the gnomAD database is not available, as this variant may be reported differently in the database. This variant has not been reported in the literature in individuals affected with COLGALT1-related conditions. ClinVar contains an entry for this variant (Variation ID: 2119523). Experimental studies and prediction algorithms are not available or were not evaluated, and the functional significance of this variant is currently unknown. In summary, the available evidence is currently insufficient to determine the role of this variant in disease. Therefore, it has been classified as a Variant of Uncertain Significance.

NM_024656.4(COLGALT1):c.1326_1327delinsGA (p.Ile442_Phe443delinsMetIle)

Gene: COLGALT1 (collagen beta(1-O)galactosyltransferase 1; plus strand). Cytogenetic location: 19p13.11.
Variant type: Indel.
Coding change: c.1326_1327delinsGA on transcript NM_024656.4 (MANE Select); coding-DNA positions 1326 to 1327, CT replaced by GA.
Protein change: p.Ile442_Phe443delinsMetIle.
Molecular consequence: missense variant.
Genome position (GRCh38, 1-based): chr19:17,579,541-17,579,542, CT replaced by GA. VCF-style: chr19-17579541-CT-GA. GRCh37 (hg19) VCF-style: chr19-17690350-CT-GA.
Identifiers: ClinVar variation 2119523 (VCV002119523.4), dbSNP rs2512897237, ClinGen allele CA2580096710.